The following is an entry in ClinVar:

ClinVar aggregate classification (germline): Uncertain significance (1 of 4 stars; one submission).

Conditions:
Hereditary spastic paraplegia 55. Also called: Spastic paraplegia 55, autosomal recessive. Identifiers: Orphanet 320375, MedGen C3539506, MONDO:0014020, OMIM 615035.

Submission:

Centre for Mendelian Genomics, University Medical Centre Ljubljana
Classification: Uncertain significance for Hereditary spastic paraplegia 55. Last evaluated: 2018-11-30. Review status: criteria provided, single submitter. Criteria: ACMG Guidelines, 2015. Collection method: clinical testing. Allele origin: unknown. Affected: yes.
Comment: This variant was classified as: Uncertain significance. The available evidence favors the pathogenic nature of this variant, however the currently available data is insufficient to conclusively support its pathogenic nature. Thus this variant is classified as Uncertain significance - favor pathogenic. The following ACMG criteria were applied in classifying this variant: PM2,PP3. This variant was detected in homozygous state.

NM_152269.5(MTRFR):c.215G>C (p.Gly72Ala)

Gene: MTRFR (mitochondrial translation release factor in rescue; plus strand). Cytogenetic location: 12q24.31.
Variant type: single nucleotide variant.
Coding change: c.215G>C on transcript NM_152269.5 (MANE Select); coding-DNA position 215, G replaced by C.
Protein change: p.Gly72Ala; replaces glycine 72 with alanine.
Molecular consequence: missense variant.
Genome position (GRCh38, 1-based): chr12:123,253,889, G>C. VCF-style: chr12-123253889-G-C. GRCh37 (hg19) VCF-style: chr12-123738436-G-C.
Other names: c.215G>C, p.Gly72Ala (NM_001143905.2, NM_001194995.1); short protein forms G72A.
Identifiers: ClinVar variation 931369 (VCV000931369.3), dbSNP rs1207537130, ClinGen allele CA387118745.